The following is an entry in ClinVar:

NM_206933.4(USH2A):c.6087A>T (p.Ala2029=)

Gene: USH2A (usherin; minus strand). Cytogenetic location: 1q41.
Variant type: single nucleotide variant.
Coding change: c.6087A>T on transcript NM_206933.4 (MANE Select); coding-DNA position 6087, A replaced by T.
Protein change: p.Ala2029=; no amino-acid change (alanine 2029 retained).
Molecular consequence: synonymous variant.
Genome position (GRCh38, 1-based): chr1:216,048,610, T>A on the plus strand (A>T on the coding strand, the complement: USH2A is on the minus strand). VCF-style: chr1-216048610-T-A. GRCh37 (hg19) VCF-style: chr1-216221952-T-A.
Identifiers: ClinVar variation 166489 (VCV000166489.15), dbSNP rs727503726, ClinGen allele CA179552.
Genomic context (GRCh38, chr1:216,048,610, plus strand): 5'-GATGTTCAATGCATGTGAGCTCTCAGTACAGCCAGCCAAAGTGCAAGCAGTTAGGGTTAC[T>A]GCATAGTTTTTGAAGGGTAGCAAGCCTGTCAATATGCCTATAATAAAAAGGGACAAAAGA-3'
Protein context (NP_996816.3, residues 2019-2039): LTGLLPFKNY[Ala2029=]VTLTACTLAG

ClinVar aggregate classification (germline): Likely benign. Review status: criteria provided, multiple submitters, no conflicts (2 of 4 stars). 5 submissions from 4 submitters: Likely benign (4). 1 of the submissions does not count toward it. Last evaluated 2023-11-04.

Conditions:
Retinitis pigmentosa 39 (RP39). Identifiers: Orphanet 791, MedGen C3151138, MONDO:0013436, OMIM 613809.
Usher syndrome type 2A. Also called: RETINAL DISEASE IN USHER SYNDROME TYPE IIA, MODIFIER OF; USHER SYNDROME, TYPE IIA. Identifiers: Orphanet 231178, Orphanet 886, MedGen C1848634, MONDO:0010169, OMIM 276901.

Allele frequency attached by ClinVar (database versions not stated): gnomAD exomes 0.00001; ExAC 0.00002; gnomAD below 0.00001 and 0.00001.
gnomAD v4.1: 16 of 1,614,014 alleles (0.00099%); highest among the groups gnomAD compares: South Asian, 0.013%; no homozygotes.

Submissions (5):

Genome-Nilou Lab
Classification: Likely benign for Retinitis pigmentosa 39. Last evaluated: 2023-11-04. Review status: criteria provided, single submitter. Criteria: ACMG Guidelines, 2015. Collection method: clinical testing. Allele origin: germline. Affected: no.

Genome-Nilou Lab
Classification: Likely benign for Usher syndrome type 2A. Last evaluated: 2023-11-04. Review status: criteria provided, single submitter. Criteria: ACMG Guidelines, 2015. Collection method: clinical testing. Allele origin: germline. Affected: no.

Labcorp Genetics (formerly Invitae), Labcorp
Classification: Likely benign. Last evaluated: 2023-02-16. Review status: criteria provided, single submitter. Criteria: Invitae Variant Classification Sherloc (09022015). Collection method: clinical testing. Allele origin: germline.

Laboratory for Molecular Medicine, Mass General Brigham Personalized Medicine
Classification: Likely benign. Last evaluated: 2013-11-13. Review status: criteria provided, single submitter. Criteria: LMM Criteria. Collection method: clinical testing. Allele origin: germline. Observed: 1 variant allele.
Comment: Ala2029Ala in Exon 31 of USH2A: This variant is not expected to have clinical si gnificance because it does not alter an amino acid residue and is not located wi thin the splice consensus sequence.

Counsyl
Classification: Likely benign for Usher syndrome type 2A; Retinitis pigmentosa 39. Last evaluated: 2017-10-27. Review status: no assertion criteria provided. Collection method: clinical testing. Allele origin: unknown. Not counted in ClinVar's aggregate classification.